The following is an entry in ClinVar:

NM_007294.4(BRCA1):c.305C>G (p.Ala102Gly)

Gene: BRCA1 (BRCA1 DNA repair associated; minus strand). Cytogenetic location: 17q21.31.
Variant type: single nucleotide variant.
Coding change: c.305C>G on transcript NM_007294.4 (MANE Select); coding-DNA position 305, C replaced by G.
Protein change: p.Ala102Gly; replaces alanine 102 with glycine.
Molecular consequence: missense variant. On other transcripts: non-coding transcript variant (1).
Genome position (GRCh38, 1-based): chr17:43,104,258, G>C on the plus strand (C>G on the coding strand, the complement: BRCA1 is on the minus strand). VCF-style: chr17-43104258-G-C. GRCh37 (hg19) VCF-style: chr17-41256275-G-C.
Other names: p.A102G:GCA>GGA; NM_007294.4(BRCA1):c.305C>G; 424C>G; c.95C>G, p.Ala32Gly (NM_001407571.1, NM_001407853.1, NM_001407879.1 and 58 more transcripts); c.305C>G, p.Ala102Gly (NM_001407581.1, NM_001407582.1, NM_001407583.1 and 165 more transcripts); c.296C>G, p.Ala99Gly (NM_001407646.1, NM_001407647.1, NM_001408408.1); c.227C>G, p.Ala76Gly (NM_001407653.1, NM_001407654.1, NM_001407655.1 and 21 more transcripts); c.164C>G, p.Ala55Gly (NM_001407692.1, NM_001407694.1, NM_001407695.1 and 99 more transcripts); and 2 more; short protein forms A102G, A55G, A76G, A99G, A58G, A32G.
Identifiers: ClinVar variation 37505 (VCV000037505.32), dbSNP rs80357190, ClinGen allele CA002009.

ClinVar aggregate classification (germline): Benign. Review status: reviewed by expert panel (3 of 4 stars). 13 submissions from 13 submitters: Benign (1). 12 of the submissions do not count toward it. Last evaluated 2024-06-11.

Conditions:
BRCA1-related cancer predisposition. Identifiers: MedGen CN377757, MONDO:0700268.
Hereditary breast ovarian cancer syndrome. Also called: BRCA1- and BRCA2-Associated Hereditary Breast and Ovarian Cancer; Hereditary breast and/or ovarian cancer syndrome; Hereditary breast and ovarian cancer syndrome; Hereditary breast and ovarian cancer syndrome (HBOC); Hereditary breast and ovarian cancer; Breast and ovarian cancer. Identifiers: Orphanet 145, MedGen C0677776, MeSH D061325, MONDO:0003582. Disease mechanism: loss of function.
Inherited breast cancer and ovarian cancer.
Breast-ovarian cancer, familial, susceptibility to, 1 (BROVCA1). Also called: BRCA1 Hereditary Breast and Ovarian Cancer; OVARIAN CANCER, SUSCEPTIBILITY TO. Identifiers: Orphanet 145, MedGen C2676676, MONDO:0011450, OMIM 604370. Disease mechanism: loss of function.
Hereditary cancer-predisposing syndrome. Also called: Neoplastic Syndromes, Hereditary; Tumor predisposition; Hereditary neoplastic syndrome; Hereditary Cancer Syndrome. Identifiers: Orphanet 140162, MedGen C0027672, MeSH D009386, MONDO:0015356.

Allele frequency attached by ClinVar (database versions not stated): TOPMed below 0.00001.
gnomAD v4.1: 4 of 1,609,246 alleles (0.00025%); highest among the groups gnomAD compares: African/African-American, 0.0013%; no homozygotes.

Submissions (13):

ClinGen ENIGMA BRCA1 and BRCA2 Variant Curation Expert Panel, ClinGen
Classification: Benign for BRCA1-related cancer predisposition. Last evaluated: 2024-06-11. Review status: reviewed by expert panel. Criteria: CSpec BRCA1/2ACMG Rules Specifications V1.0. Collection method: curation. Allele origin: germline. Inheritance: Autosomal dominant inheritance.
Comment: The c.305C>G variant in BRCA1 is a missense variant predicted to cause substitution of Alanine by Glycine at amino acid 102 (p.Ala102Gly). This variant is absent from gnomAD v2.1 (exomes only, non-cancer subset, read depth >=25) and gnomAD v3.1 (non-cancer subset, read depth >=25) (PM2_Supporting met). This missense variant is located outside of a key functional domain and was not predicted to alter mRNA splicing using the SpliceAI predictor (score 0.00, score threshold <0.1) (BP1_Strong met). Reported by one calibrated study to exhibit protein function similar to benign control variants (PMID: 30219179) (BS3 met). Multifactorial likelihood ratio analysis using clinically calibrated data produced a combined LR for this variant of 0.015 (based on Co-occurrence LR=1.177; Family History LR=0.0127), below the threshold for strong benign evidence (LR <0.05) (BP5_Strong met; PMID: 31131967, 31853058). In summary, this variant meets the criteria to be classified as a Benign variant for BRCA1-related cancer predisposition based on the ACMG/AMP criteria applied as specified by the ENIGMA BRCA1/2 VCEP (PM2_Supporting, BP1_Strong, BS3, BP5_Strong).

Cambridge Genomics Laboratory, East Genomic Laboratory Hub, NHS Genomic Medicine Service
Classification: Benign for Inherited breast cancer and ovarian cancer. Last evaluated: 2026-09-29. Review status: criteria provided, single submitter. Criteria: ACGS Best Practice Guidelines for Variant Classification in Rare Disease 2020. Collection method: clinical testing. Allele origin: germline. Affected: yes. Not counted in ClinVar's aggregate classification.
Comment: BS3_Moderate,BP1_Strong,BP5_Strong

Labcorp Genetics (formerly Invitae), Labcorp
Classification: Likely benign for Hereditary breast ovarian cancer syndrome. Last evaluated: 2026-02-03. Review status: criteria provided, single submitter. Criteria: Invitae Variant Classification Sherloc (09022015). Collection method: clinical testing. Allele origin: germline. Not counted in ClinVar's aggregate classification.

Quest Diagnostics Nichols Institute San Juan Capistrano
Classification: Likely benign. Last evaluated: 2025-04-10. Review status: criteria provided, single submitter. Criteria: Quest Diagnostics criteria. Collection method: clinical testing. Allele origin: unknown. Not counted in ClinVar's aggregate classification.

Ambry Genetics
Classification: Uncertain significance for Hereditary cancer-predisposing syndrome. Last evaluated: 2025-02-07. Review status: criteria provided, single submitter. Criteria: Ambry Variant Classification Scheme 2023. Collection method: clinical testing. Allele origin: germline. Not counted in ClinVar's aggregate classification.
Comment: The p.A102G variant (also known as c.305C>G), located in coding exon 5 of the BRCA1 gene, results from a C to G substitution at nucleotide position 305. The alanine at codon 102 is replaced by glycine, an amino acid with similar properties. This alteration has been reported in conjunction with a pathogenic gross deletion in BRCA1 in a hereditary breast and ovarian cancer family (Palma MD et al. Cancer Res. 2008 Sep 1;68(17):7006-14). This amino acid position is not well conserved in available vertebrate species. In addition, this alteration is predicted to be deleterious by in silico analysis. Based on the available evidence, the clinical significance of this variant remains unclear.

All of Us Research Program, National Institutes of Health
Classification: Likely benign for Breast-ovarian cancer, familial, susceptibility to, 1. Last evaluated: 2023-12-07. Review status: criteria provided, single submitter. Criteria: ACMG Guidelines, 2015. Collection method: clinical testing. Allele origin: germline. Inheritance: Autosomal dominant inheritance. Observed: 1 variant allele, 1 heterozygote. Not counted in ClinVar's aggregate classification.
Comment: This study involves interpretation of variants in research participants for the purpose of population health screening. Participant phenotype was not available at the time of variant classification. Additional details can be found in publication PMID: 35346344, PMCID: PMC8962531

Sema4
Classification: Uncertain significance for Hereditary cancer-predisposing syndrome. Last evaluated: 2022-01-15. Review status: criteria provided, single submitter. Criteria: Sema4 Curation Guidelines. Collection method: curation. Allele origin: germline. Not counted in ClinVar's aggregate classification.
Comment: The BRCA1 c.305C>G (p.A102G) variant has been reported in heterozygosity in at least 3 individuals with breast and ovarian cancer (PMID: 18703817, 22711857, 23633455), including at least one individual with a pathogenic variant in BRCA1. It was not observed in the large and broad cohorts of the Genome Aggregation Database (PMID: 32461654). This variant has been reported in ClinVar (Variation ID 37505). Functional studies have not been performed, and in silico predictions of the variant's effect on protein function are inconclusive. The evidence is insufficient to meet ACMG/AMP criteria for classifying the variant as benign or pathogenic. Thus, the clinical significance of this variant is currently uncertain.

Women's Health and Genetics/Laboratory Corporation of America, LabCorp
Classification: Benign. Last evaluated: 2021-09-13. Review status: criteria provided, single submitter. Criteria: LabCorp Variant Classification Summary - May 2015. Collection method: clinical testing. Allele origin: germline. Not counted in ClinVar's aggregate classification.
Comment: Variant summary: The variant, BRCA1 c.305C>G (p.Ala102Gly) results in a non-conservative amino acid change in the encoded protein sequence. Four of five in-silico tools predict a benign effect of the variant on protein function. A recent report from the CAGI5 (fifth Critical Assessment of Genome Interpretation) challenge has classified this variant as benign (IARC class 1) in a prediction protocol that includes assessment of the impact of this variant on splicing and protein function using four sets of predictors (Padilla_2019, Cline_2019). The variant was absent in 250608 control chromosomes (gnomAD). The available data on variant occurrences in the general population are insufficient to allow any conclusion about variant significance. c.305C>G has been reported in the literature in individuals affected with Breast cancer and ovarian cancer (Alsop_2012, Palma_2008). However, these reports do not provide unequivocal conclusions about association of the variant with Hereditary Breast and Ovarian Cancer. Recently a large scale multifactorial likelihood quantitative analysis approach based on variant location, bioinformatic prediction of variant effect, cosegregation, family cancer history profile, cooccurrence with a pathogenic variant in the same gene, breast tumor pathology, and casecontrol information has classified this variant as benign (Parsons_2019). At-least one co-occurrence with another pathogenic variants have been reported (BRCA1 Del exons 8-9, Palma_2008 and an unspecified co-occurrence in Alsop_2012), providing supporting evidence for a benign role. To our knowledge, no experimental evidence demonstrating an impact on protein function has been reported. Multiple clinical diagnostic laboratories and an expert panel (ENIGMA) have submitted clinical-significance assessments for this variant to ClinVar after 2014 with a majority consensus as benign (n=1, including the expert panel)/likely benign (n=3). Based on the evidence outlined above, the variant was re-classified as Benign.

GeneDx
Classification: Likely benign. Last evaluated: 2019-06-03. Review status: criteria provided, single submitter. Criteria: GeneDx Variant Classification Process June 2021. Collection method: clinical testing. Allele origin: germline. Affected: yes. Not counted in ClinVar's aggregate classification.
Comment: This variant is associated with the following publications: (PMID: 18703817, 25814778, 22711857)

Color Diagnostics, LLC DBA Color Health
Classification: Likely benign for Hereditary cancer-predisposing syndrome. Last evaluated: 2016-04-21. Review status: criteria provided, single submitter. Criteria: ACMG Guidelines, 2015. Collection method: clinical testing. Allele origin: germline. Not counted in ClinVar's aggregate classification.

Sharing Clinical Reports Project (SCRP)
Classification: Likely benign for Breast-ovarian cancer, familial 1. Last evaluated: 2012-07-17. Review status: no assertion criteria provided. Collection method: clinical testing. Allele origin: germline. Not counted in ClinVar's aggregate classification.

Breast Cancer Information Core (BIC) (BRCA1)
Classification: Uncertain significance for Breast-ovarian cancer, familial 1. Last evaluated: 2004-11-25. Review status: no assertion criteria provided. Collection method: clinical testing. Allele origin: germline. Affected: yes. Observed: 1 variant allele. Not counted in ClinVar's aggregate classification.

Department of Pathology and Laboratory Medicine, Sinai Health System
Classification: Uncertain significance. Review status: no assertion criteria provided. Collection method: clinical testing. Allele origin: unknown. Affected: yes. Observed: 7 variant alleles. Study: The Canadian Open Genetics Repository (COGR). Not counted in ClinVar's aggregate classification.

Literature cited by the submitters: PubMed 30219179 (cited by ClinGen ENIGMA BRCA1 and BRCA2 Variant Curation Expert Panel, ClinGen and Quest Diagnostics Nichols Institute San Juan Capistrano); PubMed 31131967 (cited by Quest Diagnostics Nichols Institute San Juan Capistrano and Women's Health and Genetics/Laboratory Corporation of America, LabCorp); PubMed 23633455 (cited by 3 submitters); PubMed 18703817 (cited by 3 submitters); PubMed 22711857 (cited by 3 submitters); PubMed 31112341 (cited by Women's Health and Genetics/Laboratory Corporation of America, LabCorp); PubMed 31294896 (cited by Women's Health and Genetics/Laboratory Corporation of America, LabCorp).